The following is an entry in ClinVar:

NM_032043.3(BRIP1):c.*3479A>G

Gene: BRIP1 (BRCA1 interacting DNA helicase 1; minus strand). Cytogenetic location: 17q23.2.
Variant type: single nucleotide variant.
Coding change: c.*3479A>G on transcript NM_032043.3 (MANE Select); 3479 bases downstream of the stop codon, A replaced by G.
Molecular consequence: 3 prime UTR variant.
Genome position (GRCh38, 1-based): chr17:61,679,817, T>C on the plus strand (A>G on the coding strand, the complement: BRIP1 is on the minus strand). VCF-style: chr17-61679817-T-C. GRCh37 (hg19) VCF-style: chr17-59757178-T-C.
Identifiers: ClinVar variation 324295 (VCV000324295.5), dbSNP rs573351550, ClinGen allele CA10649728.

ClinVar aggregate classification (germline): Likely benign (1 of 4 stars; one submission).

Conditions:
Fanconi anemia complementation group J. Also called: BRIP1-Related Fanconi Anemia. Identifiers: Orphanet 84, MedGen C1836860, MONDO:0012187, OMIM 609054.

Allele frequency attached by ClinVar (database versions not stated): gnomAD 0.00001 and 0.00059; TOPMed 0.00009; 1000 Genomes Project 0.00200; 1000 Genomes Project 30x 0.00234.
gnomAD v4.1: 88 of 152,328 alleles (0.058%); highest among the groups gnomAD compares: South Asian, 1.8%; no homozygotes.

Submission:

Illumina Laboratory Services, Illumina
Classification: Likely benign for Fanconi anemia complementation group J. Last evaluated: 2018-01-13. Review status: criteria provided, single submitter. Criteria: ICSL Variant Classification Criteria 13 December 2019. Collection method: clinical testing. Allele origin: germline.
Comment: This variant was observed in the ICSL laboratory as part of a predisposition screen in an ostensibly healthy population. It had not been previously curated by ICSL or reported in the Human Gene Mutation Database (HGMD: prior to June 1st, 2018), and was therefore a candidate for classification through an automated scoring system. Utilizing variant allele frequency, disease prevalence and penetrance estimates, and inheritance mode, an automated score was calculated to assess if this variant is too frequent to cause the disease. Based on the score and internal cut-off values, a variant classified as likely benign is not then subjected to further curation. The score for this variant resulted in a classification of likely benign for this disease.